The following is an entry in ClinVar:

NM_001382741.1(FBRSL1):c.1716A>G (p.Arg572=)

Gene: FBRSL1 (fibrosin like 1; plus strand). Cytogenetic location: 12q24.33.
Variant type: single nucleotide variant.
Coding change: c.1716A>G on transcript NM_001382741.1 (MANE Plus Clinical); coding-DNA position 1716, A replaced by G.
Protein change: p.Arg572=; no amino-acid change (arginine 572 retained).
Molecular consequence: synonymous variant. On other transcripts: non-coding transcript variant (1), intron variant (5).
Genome position (GRCh38, 1-based): chr12:132,510,392, A>G. VCF-style: chr12-132510392-A-G. GRCh37 (hg19) VCF-style: chr12-133086978-A-G.
Other names: c.1419A>G, p.Arg473= (NM_001382742.1); c.489+2042A>G (NM_001367871.1, NM_001382739.1, NM_001142641.2 and 2 more transcripts).
Identifiers: ClinVar variation 2643645 (VCV002643645.24), dbSNP rs2541149623, ClinGen allele CA2622030420.

ClinVar aggregate classification (germline): Likely benign (1 of 4 stars; one submission).

Allele frequency attached by ClinVar (database versions not stated): gnomAD exomes below 0.00001.
gnomAD v4.1: 2 of 1,231,318 alleles (0.00016%); highest among the groups gnomAD compares: Non-Finnish European, 0.0002%; no homozygotes.

Submission:

CeGaT Center for Human Genetics Tuebingen
Classification: Likely benign. Last evaluated: 2023-05-01. Review status: criteria provided, single submitter. Criteria: CeGaT Center For Human Genetics Tuebingen Variant Classification Criteria Version 2. Collection method: clinical testing. Allele origin: germline. Affected: yes. Observed: 1 variant allele.
Comment: FBRSL1: PM2:Supporting, BP4, BP7